The following is an entry in ClinVar:

ClinVar aggregate classification (germline): Benign/Likely benign. Review status: criteria provided, multiple submitters, no conflicts (2 of 4 stars). 2 submissions from 2 submitters: Benign (1); Likely benign (1). Last evaluated 2025-11-06.

Conditions:
STAT4-related disorder. Also called: STAT4-related condition.

Submissions (2):

Labcorp Genetics (formerly Invitae), Labcorp
Classification: Benign. Last evaluated: 2025-11-06. Review status: criteria provided, single submitter. Criteria: Invitae Variant Classification Sherloc (09022015). Collection method: clinical testing. Allele origin: germline.

PreventionGenetics, part of Exact Sciences
Classification: Likely benign for STAT4-related condition. Last evaluated: 2025-02-17. Review status: criteria provided, single submitter. Criteria: ACMG Guidelines, 2015. Collection method: clinical testing. Allele origin: germline.
Comment: This variant is classified as likely benign based on ACMG/AMP sequence variant interpretation guidelines (Richards et al. 2015 PMID: 25741868, with internal and published modifications).

NM_003151.4(STAT4):c.274-4del

Gene: STAT4 (signal transducer and activator of transcription 4; minus strand). Cytogenetic location: 2q32.2.
Variant type: Deletion.
Coding change: c.274-4del on transcript NM_003151.4 (MANE Select); 4 bases into the intron before coding-DNA position 274, one base deleted (T; older notation c.274-4delT).
Molecular consequence: intron variant.
Genome position (GRCh38, 1-based): chr2:191,076,329, A deleted on the plus strand (T on the coding strand, the reverse complement: STAT4 is on the minus strand); the first of 10 consecutive A bases (chr2:191,076,329-191,076,338); deleting any one gives the same sequence. VCF-style (leftmost placement, unchanged base first): chr2-191076328-GA-G. GRCh37 (hg19) VCF-style: chr2-191941054-GA-G.
Other names: c.274-4del (NM_001243835.2); c.274-4delT (NM_003151.3).
Identifiers: ClinVar variation 2051291 (VCV002051291.5), dbSNP rs760220932, ClinGen allele CA2030929.
Genomic context (GRCh38, chr2:191,076,328, plus strand): 5'-CCCTTAAACAGTTTGAAATAACCACAGCTACATGCATTGGATTTCCATGAAATTTTCCCT[GA>G]AAAAAAAAACAATGAGCAAAAATAACTAACGTAAAGCTTAAATATATGTATCATAAGAAA-3'